The following is an entry in ClinVar:

ClinVar aggregate classification (germline): Uncertain significance. Review status: criteria provided, multiple submitters, no conflicts (2 of 4 stars). 2 submissions from 2 submitters: Uncertain significance (2). Last evaluated 2026-07-06.

Conditions:
Hereditary cancer-predisposing syndrome. Also called: Hereditary neoplastic syndrome; Hereditary Cancer Syndrome; Neoplastic Syndromes, Hereditary; Tumor predisposition. Identifiers: Orphanet 140162, MedGen C0027672, MeSH D009386, MONDO:0015356.

Submissions (2):

Ambry Genetics
Classification: Uncertain significance for Hereditary cancer-predisposing syndrome. Last evaluated: 2026-07-06. Review status: criteria provided, single submitter. Criteria: Ambry Variant Classification Scheme 2023. Collection method: clinical testing. Allele origin: germline.
Comment: The p.V471G variant (also known as c.1412T>G), located in coding exon 12 of the SUFU gene, results from a T to G substitution at nucleotide position 1412. The valine at codon 471 is replaced by glycine, an amino acid with dissimilar properties. This amino acid position is conserved. In addition, this alteration is predicted to be deleterious by in silico analysis. Based on the available evidence, the clinical significance of this variant remains unclear.

GeneDx
Classification: Uncertain significance. Last evaluated: 2023-01-25. Review status: criteria provided, single submitter. Criteria: GeneDx Variant Classification Process June 2021. Collection method: clinical testing. Allele origin: germline. Affected: yes.
Comment: Not observed at significant frequency in large population cohorts (gnomAD); In silico analysis supports that this missense variant has a deleterious effect on protein structure/function; Has not been previously published as pathogenic or benign to our knowledge; This variant is associated with the following publications: (PMID: 12426310)

NM_016169.4(SUFU):c.1412T>G (p.Val471Gly)

Gene: SUFU (SUFU negative regulator of hedgehog signaling; plus strand). Cytogenetic location: 10q24.32.
Variant type: single nucleotide variant.
Coding change: c.1412T>G on transcript NM_016169.4 (MANE Select); coding-DNA position 1412, T replaced by G.
Protein change: p.Val471Gly; replaces valine 471 with glycine.
Molecular consequence: missense variant.
Genome position (GRCh38, 1-based): chr10:102,630,112, T>G. VCF-style: chr10-102630112-T-G. GRCh37 (hg19) VCF-style: chr10-104389869-T-G.
Other names: short protein forms V471G.
Identifiers: ClinVar variation 2574419 (VCV002574419.2), dbSNP rs2135959483, ClinGen allele CA377920921.
Genomic context (GRCh38, chr10:102,630,112, plus strand): 5'-TGCTCCCTCCACAGTTCAAACTTCCCAAAGAGTACAGCTGGCCTGAAAAGAAGCTGAAGG[T>G]CTCCATCCTGCCTGACGTGGTGTTCGACAGTCCGCTACACTAGCCTGGGCTGGGCCCTGC-3'
Protein context (NP_057253.2, residues 461-481): EYSWPEKKLK[Val471Gly]SILPDVVFDS